The following is an entry in ClinVar:

NC_000013.10:g.(?_93879710)_(96443284_?)dup

Genes: ABCC4 (ATP binding cassette subfamily C member 4 (PEL blood group); minus strand), CLDN10 (claudin 10; plus strand), DCT (dopachrome tautomerase; minus strand), DNAJC3 (DnaJ heat shock protein family (Hsp40) member C3; plus strand), DZIP1 (DAZ interacting zinc finger protein 1; minus strand) and 4 more. Cytogenetic location: 13q31.3-32.1.
Variant type: Duplication.
Identifiers: ClinVar variation 2425403 (VCV002425403.3).

ClinVar aggregate classification (germline): Uncertain significance (1 of 4 stars; one submission).

Submission:

Labcorp Genetics (formerly Invitae), Labcorp
Classification: Uncertain significance. Last evaluated: 2022-01-23. Review status: criteria provided, single submitter. Criteria: Invitae Variant Classification Sherloc (09022015). Collection method: clinical testing. Allele origin: germline.
Comment: A copy number gain of the genomic region encompassing the full coding sequence of the GPC6 gene has been identified. The boundaries of this event are unknown as they extend beyond the assayed region for this gene and therefore may encompass additional genes. As the precise location of this event is unknown, it may be in tandem or it may be located elsewhere in the genome. This variant has not been reported in the literature in individuals affected with GPC6-related conditions. Experimental studies and prediction algorithms are not available or were not evaluated, and the functional significance of this variant is currently unknown. In summary, the available evidence is currently insufficient to determine the role of this variant in disease. Therefore, it has been classified as a Variant of Uncertain Significance.